The following is an entry in ClinVar:

ClinVar aggregate classification (germline): Uncertain significance (1 of 4 stars; one submission).

Conditions:
Neuronopathy, distal hereditary motor, type 5B. Also called: HMN VB; DHMN VB; NEURONOPATHY, DISTAL HEREDITARY MOTOR, HARDING TYPE VB; NEUROPATHY, DISTAL HEREDITARY MOTOR, HARDING TYPE VB; SPINAL MUSCULAR ATROPHY, DISTAL, HARDING TYPE VB. Identifiers: Orphanet 139536, MedGen C3553656, MONDO:0013884, OMIM 614751.

Submission:

Baylor Genetics
Classification: Uncertain significance for Neuronopathy, distal hereditary motor, type 5B. Last evaluated: 2020-01-16. Review status: criteria provided, single submitter. Criteria: ACMG Guidelines, 2015. Collection method: clinical testing. Allele origin: unknown. Affected: yes.
Comment: This variant was determined to be of uncertain significance according to ACMG Guidelines, 2015 [PMID:25741868].

NM_001371279.1(REEP1):c.206A>C (p.Lys69Thr)

Gene: REEP1 (receptor accessory protein 1; minus strand). Cytogenetic location: 2p11.2.
Variant type: single nucleotide variant.
Coding change: c.206A>C on transcript NM_001371279.1 (MANE Select); coding-DNA position 206, A replaced by C.
Protein change: p.Lys69Thr; replaces lysine 69 with threonine.
Molecular consequence: missense variant. On other transcripts: intron variant (1).
Genome position (GRCh38, 1-based): chr2:86,254,791, T>G on the plus strand (A>C on the coding strand, the complement: REEP1 is on the minus strand). VCF-style: chr2-86254791-T-G. GRCh37 (hg19) VCF-style: chr2-86481914-T-G.
Other names: c.227A>C, p.Lys76Thr (NM_001164730.2); c.125A>C, p.Lys42Thr (NM_001164731.2); c.206A>C, p.Lys69Thr (NM_001371280.1, NM_022912.3); c.182+9174A>C (NM_001164732.2); short protein forms K69T, K42T, K76T.
Identifiers: ClinVar variation 1029867 (VCV001029867.1), dbSNP rs1676462791, ClinGen allele CA347717565.